The following is an entry in ClinVar:

ClinVar aggregate classification (germline): Uncertain significance (1 of 4 stars; one submission).

gnomAD v4.1: 5 of 1,614,064 alleles (0.00031%); highest among the groups gnomAD compares: East Asian, 0.0022%; no homozygotes.

Submission:

CeGaT Center for Human Genetics Tuebingen
Classification: Uncertain significance. Last evaluated: 2026-04-01. Review status: criteria provided, single submitter. Criteria: CeGaT Center For Human Genetics Tuebingen Variant Classification Criteria Version 2. Collection method: clinical testing. Allele origin: germline. Affected: yes. Observed: 1 variant allele.
Comment: ALDH18A1: PM2

NM_002860.4(ALDH18A1):c.1337C>T (p.Ser446Phe)

Gene: ALDH18A1 (aldehyde dehydrogenase 18 family member A1; minus strand). Cytogenetic location: 10q24.1.
Variant type: single nucleotide variant.
Coding change: c.1337C>T on transcript NM_002860.4 (MANE Select); coding-DNA position 1337, C replaced by T.
Protein change: p.Ser446Phe; replaces serine 446 with phenylalanine.
Molecular consequence: missense variant.
Genome position (GRCh38, 1-based): chr10:95,621,161, G>A on the plus strand (C>T on the coding strand, the complement: ALDH18A1 is on the minus strand). VCF-style: chr10-95621161-G-A. GRCh37 (hg19) VCF-style: chr10-97380918-G-A.
Other names: c.1331C>T, p.Ser444Phe (NM_001017423.2, NM_001323415.2); c.1004C>T, p.Ser335Phe (NM_001323412.2, NM_001323416.2); c.1337C>T, p.Ser446Phe (NM_001323413.2, NM_001323414.2); c.1232C>T, p.Ser411Phe (NM_001323417.2); c.998C>T, p.Ser333Phe (NM_001323418.2); c.701C>T, p.Ser234Phe (NM_001323419.2); short protein forms S234F, S333F, S335F, S411F, S444F, S446F.
Identifiers: ClinVar variation 4874537 (VCV004874537.2).